The following is an entry in ClinVar:

ClinVar aggregate classification (germline): Uncertain significance (1 of 4 stars; one submission).

Submission:

Dasa
Classification: Uncertain significance. Last evaluated: 2026-07-06. Review status: criteria provided, single submitter. Criteria: DASA Assertion Criteria. Collection method: clinical testing. Allele origin: germline.
Comment: NM_001103.4(ACTN2):c.1471G>A (p.Asp491Asn) is a missense variant that results in the substitution of aspartic acid with asparagine. This variant has been reported in individuals with ACTN2-related disorders. Also, this variant is rare in population databases. The currently available literature and clinical evidence are not sufficient to establish a definitive association between this variant and the reported condition. Therefore, this variant is classified as a variant of uncertain significance.

NM_001103.4(ACTN2):c.1471G>A (p.Asp491Asn)

Gene: ACTN2 (actinin alpha 2; plus strand). Cytogenetic location: 1q43.
Variant type: single nucleotide variant.
Coding change: c.1471G>A on transcript NM_001103.4 (MANE Select); coding-DNA position 1471, G replaced by A.
Protein change: p.Asp491Asn; replaces aspartic acid 491 with asparagine.
Molecular consequence: missense variant. On other transcripts: non-coding transcript variant (1).
Genome position (GRCh38, 1-based): chr1:236,747,731, G>A. VCF-style: chr1-236747731-G-A. GRCh37 (hg19) VCF-style: chr1-236911031-G-A.
Other names: c.1471G>A, p.Asp491Asn (NM_001278343.2); short protein forms D491N.
Identifiers: ClinVar variation 5020230 (VCV005020230.1).